The following is an entry in ClinVar:

ClinVar aggregate classification (germline): Pathogenic. Review status: criteria provided, multiple submitters, no conflicts (2 of 4 stars). 3 submissions from 3 submitters: Pathogenic (2). 1 of the submissions does not count toward it. Last evaluated 2019-12-12.

Conditions:
Breast-ovarian cancer, familial, susceptibility to, 2 (BROVCA2). Also called: BRCA2 Hereditary Breast and Ovarian Cancer. Identifiers: Orphanet 145, MedGen C2675520, MONDO:0012933, OMIM 612555. Disease mechanism: loss of function.
Hereditary breast ovarian cancer syndrome. Also called: BRCA1- and BRCA2-Associated Hereditary Breast and Ovarian Cancer; Hereditary breast and ovarian cancer; Breast and ovarian cancer; Hereditary breast and/or ovarian cancer syndrome; Hereditary breast and ovarian cancer syndrome; Hereditary breast and ovarian cancer syndrome (HBOC). Identifiers: Orphanet 145, MedGen C0677776, MeSH D061325, MONDO:0003582. Disease mechanism: loss of function.

Submissions (3):

Labcorp Genetics (formerly Invitae), Labcorp
Classification: Pathogenic for Hereditary breast ovarian cancer syndrome. Last evaluated: 2019-12-12. Review status: criteria provided, single submitter. Criteria: Invitae Variant Classification Sherloc (09022015). Collection method: clinical testing. Allele origin: germline.
Comment: This sequence change affects an acceptor splice site in intron 14 of the BRCA2 gene. It is expected to disrupt RNA splicing and likely results in an absent or disrupted protein product. This variant is not present in population databases (ExAC no frequency). This variant has been observed in individual(s) with personal or family history of hereditary breast and/or ovarian cancer (HBOC) (PMID: 24156927). ClinVar contains an entry for this variant (Variation ID: 267683). Experimental studies have shown that this variants at this splice site disrupt mRNA splicing (PMID: 22505045, 31191615). Donor and acceptor splice site variants typically lead to a loss of protein function (PMID: 16199547), and loss-of-function variants in BRCA2 are known to be pathogenic (PMID: 20104584). For these reasons, this variant has been classified as Pathogenic.

Consortium of Investigators of Modifiers of BRCA1/2 (CIMBA), c/o University of Cambridge
Classification: Pathogenic for Breast-ovarian cancer, familial, susceptibility to, 2. Last evaluated: 2015-10-02. Review status: criteria provided, single submitter. Criteria: CIMBA Mutation Classification guidelines May 2016. Collection method: clinical testing. Allele origin: germline.

BRCAlab, Lund University
Classification: Pathogenic for Breast-ovarian cancer, familial, susceptibility to, 2. Last evaluated: 2020-03-02. Review status: no assertion criteria provided. Collection method: clinical testing. Allele origin: germline. Affected: yes. Not counted in ClinVar's aggregate classification.

Literature cited by the submitters: PubMed 24156927 (cited by Labcorp Genetics (formerly Invitae), Labcorp); PubMed 22505045 (cited by Labcorp Genetics (formerly Invitae), Labcorp); PubMed 31191615 (cited by Labcorp Genetics (formerly Invitae), Labcorp); PubMed 16199547 (cited by Labcorp Genetics (formerly Invitae), Labcorp); PubMed 20104584 (cited by Labcorp Genetics (formerly Invitae), Labcorp).

NM_000059.4(BRCA2):c.7436-2A>G

Gene: BRCA2 (BRCA2 DNA repair associated; plus strand). Cytogenetic location: 13q13.1.
Variant type: single nucleotide variant.
Coding change: c.7436-2A>G on transcript NM_000059.4 (MANE Select); the canonical splice acceptor site of the intron before coding-DNA position 7436, A replaced by G.
Molecular consequence: splice acceptor variant.
Genome position (GRCh38, 1-based): chr13:32,356,426, A>G. VCF-style: chr13-32356426-A-G. GRCh37 (hg19) VCF-style: chr13-32930563-A-G.
Other names: c.7436-2A>G (NM_001406720.1); c.7340-2A>G (NM_001406719.1); c.2504-2A>G (NM_001406721.1); c.1019-2A>G (NM_001406722.1).
Identifiers: ClinVar variation 267683 (VCV000267683.13), dbSNP rs397507917, ClinGen allele CA10602538.
Genomic context (GRCh38, chr13:32,356,426, plus strand): 5'-GGCCAGGGGTTGTGCTTTTTAAATTTCAATTTTATTTTTGCTAAGTATTTATTCTTTGAT[A>G]GATTTAATTACAAGTCTTCAGAATGCCAGAGATATACAGGATATGCGAATTAAGAAGAAA-3'